The following is an entry in ClinVar:

ClinVar aggregate classification (germline): Uncertain significance (1 of 4 stars; one submission).

gnomAD v4.1: 9 of 1,614,086 alleles (0.00056%); highest among the groups gnomAD compares: South Asian, 0.0088%; no homozygotes.

Submission:

GeneDx
Classification: Uncertain significance. Last evaluated: 2026-03-24. Review status: criteria provided, single submitter. Criteria: GeneDx Variant Classification Process June 2021. Collection method: clinical testing. Allele origin: germline.
Comment: In silico analysis suggests that this missense variant does not alter protein structure/function; Has not been previously published as pathogenic or benign to our knowledge

NM_004341.5(CAD):c.4846G>T (p.Ala1616Ser)

Gene: CAD (carbamoyl-phosphate synthetase 2, aspartate transcarbamylase, and dihydroorotase; plus strand). Cytogenetic location: 2p23.3.
Variant type: single nucleotide variant.
Coding change: c.4846G>T on transcript NM_004341.5 (MANE Select); coding-DNA position 4846, G replaced by T.
Protein change: p.Ala1616Ser; replaces alanine 1616 with serine.
Molecular consequence: missense variant.
Genome position (GRCh38, 1-based): chr2:27,238,173, G>T. VCF-style: chr2-27238173-G-T. GRCh37 (hg19) VCF-style: chr2-27461041-G-T.
Other names: c.4657G>T, p.Ala1553Ser (NM_001306079.2); short protein forms A1553S, A1616S.
Identifiers: ClinVar variation 5017247 (VCV005017247.1).
Genomic context (GRCh38, chr2:27,238,173, plus strand): 5'-GTGGCTGCTGTCCTCATGGTGGCTCAGCTCACTCAGCGCTCAGTGCACATATGTCACGTG[G>T]CACGGAAGGAGGAGGTAAGAGTACACCTGAGATCCTGCTGTCCCTGTTGCTTTCCCAGTA-3'
Protein context (NP_004332.2, residues 1606-1626): TQRSVHICHV[Ala1616Ser]RKEEILLIKA